The following is an entry in ClinVar:

NM_002834.5(PTPN11):c.971A>G (p.Lys324Arg)

Gene: PTPN11 (protein tyrosine phosphatase non-receptor type 11; plus strand). Cytogenetic location: 12q24.13.
Variant type: single nucleotide variant.
Coding change: c.971A>G on transcript NM_002834.5 (MANE Select); coding-DNA position 971, A replaced by G.
Protein change: p.Lys324Arg; replaces lysine 324 with arginine.
Molecular consequence: missense variant.
Genome position (GRCh38, 1-based): chr12:112,477,894, A>G. VCF-style: chr12-112477894-A-G. GRCh37 (hg19) VCF-style: chr12-112915698-A-G.
Other names: c.971A>G, p.Lys324Arg (NM_001330437.2, NM_080601.3); c.968A>G, p.Lys323Arg (NM_001374625.1); short protein forms K323R, K324R.
Identifiers: ClinVar variation 928985 (VCV000928985.4), dbSNP rs772684421, ClinGen allele CA6798696.
Genomic context (GRCh38, chr12:112,477,894, plus strand): 5'-GGATTTTCTTCCTAAATTTCTAGCCTGAATTTGAAACCAAGTGCAACAATTCAAAGCCCA[A>G]AAAGAGTTACATTGCCACACAAGGCTGCCTGCAAAACACGGTGAATGACTTTTGGCGGAT-3'
Protein context (NP_002825.3, residues 314-334): FETKCNNSKP[Lys324Arg]KSYIATQGCL

ClinVar aggregate classification (germline): Uncertain significance. Review status: criteria provided, multiple submitters, no conflicts (2 of 4 stars). 3 submissions from 3 submitters: Uncertain significance (3). Last evaluated 2025-08-01.

Conditions:
RASopathy. Also called: rasopathies; Noonan spectrum disorder. Identifiers: Orphanet 536391, MedGen C5555857, MONDO:0021060.
Cardiovascular phenotype. Identifiers: MedGen CN230736.

Allele frequency attached by ClinVar (database versions not stated): gnomAD exomes below 0.00001; TOPMed below 0.00001; ExAC 0.00001.
gnomAD v4.1: 5 of 1,614,200 alleles (0.00031%); highest among the groups gnomAD compares: African/African-American, 0.0013%; no homozygotes.

Submissions (3):

Ambry Genetics
Classification: Uncertain significance for Cardiovascular phenotype. Last evaluated: 2025-08-01. Review status: criteria provided, single submitter. Criteria: Ambry Variant Classification Scheme 2023. Collection method: clinical testing. Allele origin: germline.
Comment: The p.K324R variant (also known as c.971A>G), located in coding exon 9 of the PTPN11 gene, results from an A to G substitution at nucleotide position 971. The lysine at codon 324 is replaced by arginine, an amino acid with highly similar properties. This amino acid position is conserved. In addition, the in silico prediction for this alteration is inconclusive. Based on the available evidence, the clinical significance of this variant remains unclear.

Labcorp Genetics (formerly Invitae), Labcorp
Classification: Uncertain significance for RASopathy. Last evaluated: 2024-05-05. Review status: criteria provided, single submitter. Criteria: Invitae Variant Classification Sherloc (09022015). Collection method: clinical testing. Allele origin: germline.
Comment: This sequence change replaces lysine, which is basic and polar, with arginine, which is basic and polar, at codon 324 of the PTPN11 protein (p.Lys324Arg). This variant is present in population databases (rs772684421, gnomAD 0.003%). This variant has not been reported in the literature in individuals affected with PTPN11-related conditions. ClinVar contains an entry for this variant (Variation ID: 928985). Advanced modeling of protein sequence and biophysical properties (such as structural, functional, and spatial information, amino acid conservation, physicochemical variation, residue mobility, and thermodynamic stability) has been performed at Invitae for this missense variant, however the output from this modeling did not meet the statistical confidence thresholds required to predict the impact of this variant on PTPN11 protein function. In summary, the available evidence is currently insufficient to determine the role of this variant in disease. Therefore, it has been classified as a Variant of Uncertain Significance.

Women's Health and Genetics/Laboratory Corporation of America, LabCorp
Classification: Uncertain significance. Last evaluated: 2019-12-30. Review status: criteria provided, single submitter. Criteria: LabCorp Variant Classification Summary - May 2015. Collection method: clinical testing. Allele origin: germline.
Comment: Variant summary: PTPN11 c.971A>G (p.Lys324Arg) results in a conservative amino acid change located in the PTP type protein phosphatase (PTPase) domain (IPR000242) of the encoded protein sequence. Three of five in-silico tools predict a benign effect of the variant on protein function. The variant allele was found at a frequency of 4e-06 in 251402 control chromosomes (gnomAD). The available data on variant occurrences in the general population are insufficient to allow any conclusion about variant significance. To our knowledge, no occurrence of c.971A>G in individuals affected with Noonan Syndrome and Related Conditions and no experimental evidence demonstrating its impact on protein function have been reported. No clinical diagnostic laboratories have submitted clinical-significance assessments for this variant to ClinVar after 2014. Based on the evidence outlined above, the variant was classified as uncertain significance.